The following is an entry in ClinVar:

NM_020318.3(PAPPA2):c.1351_1352delinsAT (p.Ala451Met)

Gene: PAPPA2 (pappalysin 2; plus strand). Cytogenetic location: 1q25.2.
Variant type: Indel.
Coding change: c.1351_1352delinsAT on transcript NM_020318.3 (MANE Select); coding-DNA positions 1351 to 1352, GC replaced by AT.
Protein change: p.Ala451Met; replaces alanine 451 with methionine.
Molecular consequence: missense variant.
Genome position (GRCh38, 1-based): chr1:176,594,955-176,594,956, GC replaced by AT. VCF-style: chr1-176594955-GC-AT. GRCh37 (hg19) VCF-style: chr1-176564091-GC-AT.
Other names: c.1351_1352delinsAT, p.Ala451Met (NM_021936.3); short protein forms A451M.
Identifiers: ClinVar variation 4537827 (VCV004537827.1).

ClinVar aggregate classification (germline): Uncertain significance (1 of 4 stars; one submission).

Submission:

GeneDx
Classification: Uncertain significance. Last evaluated: 2025-06-15. Review status: criteria provided, single submitter. Criteria: GeneDx Variant Classification Process June 2021. Collection method: clinical testing. Allele origin: germline. Affected: yes.
Comment: Not observed at significant frequency in large population cohorts (gnomAD); In silico analysis suggests that this variant does not alter protein structure/function; Has not been previously published as pathogenic or benign to our knowledge